The following is an entry in ClinVar:

NM_003587.5(DHX16):c.2303A>G (p.Lys768Arg)

Gene: DHX16 (DEAH-box helicase 16; minus strand). Cytogenetic location: 6p21.33.
Variant type: single nucleotide variant.
Coding change: c.2303A>G on transcript NM_003587.5 (MANE Select); coding-DNA position 2303, A replaced by G.
Protein change: p.Lys768Arg; replaces lysine 768 with arginine.
Molecular consequence: missense variant.
Genome position (GRCh38, 1-based): chr6:30,656,605, T>C on the plus strand (A>G on the coding strand, the complement: DHX16 is on the minus strand). VCF-style: chr6-30656605-T-C. GRCh37 (hg19) VCF-style: chr6-30624382-T-C.
Other names: c.2123A>G, p.Lys708Arg (NM_001164239.2); c.860A>G, p.Lys287Arg (NM_001363515.2); short protein forms K287R, K708R, K768R.
Identifiers: ClinVar variation 3363941 (VCV003363941.1).
Genomic context (GRCh38, chr6:30,656,605, plus strand): 5'-TCAAAGGACAGTGACTCCAGCCCCTCCCTCCTCTCTCAGGTAGCCCAATCACCTAAGCTC[T>C]TGAGCAGCAACACGACATTGCCCAAGCTGGTCCTCTGGATCTCAGGCACTGTGGTTTCCT-3'
Protein context (NP_003578.2, residues 758-778): TSLGNVVLLL[Lys768Arg]SLGIHDLMHF

ClinVar aggregate classification (germline): Uncertain significance (1 of 4 stars; one submission).

Submission:

GeneDx
Classification: Uncertain significance. Last evaluated: 2023-11-08. Review status: criteria provided, single submitter. Criteria: GeneDx Variant Classification Process June 2021. Collection method: clinical testing. Allele origin: germline. Affected: yes.
Comment: Not observed at significant frequency in large population cohorts (gnomAD); In silico analysis supports that this missense variant has a deleterious effect on protein structure/function; Has not been previously published as pathogenic or benign to our knowledge